The following is an entry in ClinVar:

ClinVar aggregate classification (germline): Likely pathogenic (1 of 4 stars; one submission).

Conditions:
Isolated microphthalmia 8. Identifiers: Orphanet 2542, MedGen C3554524, MONDO:0014050, OMIM 615113.

Submission:

Department of Biotechnology and Genetic Engineering, Kohat University of Science and Technology
Classification: Likely pathogenic for Isolated microphthalmia 8. Review status: criteria provided, single submitter. Criteria: ACMG Guidelines, 2015. Collection method: research. Allele origin: germline. Inheritance: Autosomal recessive inheritance. Affected: yes. Observed: 2 variant alleles, 2 homozygotes.
Comment: This sequence change results in a frameshift variant (p.Glu58Glyfs*5) in the ALDH1A3 gene, leading to a premature stop codon shortly downstream. This is expected to result in either a truncated protein or nonsense-mediated mRNA decay. Loss-of-function variants in ALDH1A3 are an established mechanism of disease associated with autosomal recessive microphthalmia (OMIM #615113). This variant is extremely rare in population databases (gnomAD allele frequency: 0.0000006198). In silico prediction (MutationTaster: disease causing) supports a deleterious impact, although other predictors are unavailable. Based on ACMG criteria (PVS1, PP1, PP2), this variant has been classified as Likely Pathogenic.

NM_000693.4(ALDH1A3):c.172dup (p.Glu58fs)

Gene: ALDH1A3 (aldehyde dehydrogenase 1 family member A3; plus strand). Cytogenetic location: 15q26.3.
Variant type: Duplication.
Coding change: c.172dup on transcript NM_000693.4 (MANE Select); coding-DNA position 172, one base duplicated (G; older notation c.172dupG).
Protein change: p.Glu58fs; shifts the reading frame from glutamic acid 58.
Molecular consequence: frameshift variant.
Genome position (GRCh38, 1-based): chr15:100,885,339, G duplicated; the last of 3 consecutive G bases (chr15:100,885,337-100,885,339); duplicating any one gives the same sequence. VCF-style (leftmost placement, unchanged base first): chr15-100885336-C-CG. GRCh37 (hg19) VCF-style: chr15-101425541-C-CG.
Other names: c.172dup, p.Glu58fs (NM_001293815.2); short protein forms E58fs.
Identifiers: ClinVar variation 3777064 (VCV003777064.1).
Genomic context (GRCh38, chr15:100,885,336, plus strand): 5'-AACAATGAATGGCACGAATCCAAGAGTGGGAAAAAGTTTGCTACATGTAACCCTTCAACT[C>CG]GGGAGCAAATATGTGAAGTGGAAGAAGGAGATAAGGTAAATACTTAAAATAAATTTGCTC-3'